The following is an entry in ClinVar:

NM_013275.6(ANKRD11):c.6218del (p.Pro2073fs)

Gene: ANKRD11 (ankyrin repeat domain 11; minus strand). Cytogenetic location: 16q24.3.
Variant type: Deletion.
Coding change: c.6218del on transcript NM_013275.6 (MANE Select); coding-DNA position 6218, one base deleted (C; older notation c.6218delC).
Protein change: p.Pro2073fs; shifts the reading frame from proline 2073.
Molecular consequence: frameshift variant.
Genome position (GRCh38, 1-based): chr16:89,280,324, G deleted on the plus strand (C on the coding strand, the reverse complement: ANKRD11 is on the minus strand); the first of 2 consecutive G bases (chr16:89,280,324-89,280,325); deleting either gives the same sequence. VCF-style (leftmost placement, unchanged base first): chr16-89280323-CG-C. GRCh37 (hg19) VCF-style: chr16-89346731-CG-C.
Other names: c.6218del, p.Pro2073fs (NM_001256182.2, NM_001256183.2); short protein forms P2073fs.
Identifiers: ClinVar variation 374225 (VCV000374225.5), dbSNP rs1057518987, ClinGen allele CA16043632.

ClinVar aggregate classification (germline): Pathogenic. Review status: criteria provided, single submitter (1 of 4 stars). 2 submissions from 2 submitters: Pathogenic (1). 1 of the submissions does not count toward it. Last evaluated 2023-05-16.

Conditions:
Moderate intellectual deficiency.
KBG syndrome (KBGS). Also called: ANKRD11-Related KBG Syndrome. Identifiers: Orphanet 2332, MedGen C0220687, MONDO:0007846, OMIM 148050.

Submissions (2):

Labcorp Genetics (formerly Invitae), Labcorp
Classification: Pathogenic for KBG syndrome. Last evaluated: 2023-05-16. Review status: criteria provided, single submitter. Criteria: Invitae Variant Classification Sherloc (09022015). Collection method: clinical testing. Allele origin: germline.
Comment: This sequence change creates a premature translational stop signal (p.Pro2073Argfs*14) in the ANKRD11 gene. It is expected to result in an absent or disrupted protein product. Loss-of-function variants in ANKRD11 are known to be pathogenic (PMID: 21782149, 25125236, 25413698, 25652421). This variant is not present in population databases (gnomAD no frequency). This variant has not been reported in the literature in individuals affected with ANKRD11-related conditions. ClinVar contains an entry for this variant (Variation ID: 374225). For these reasons, this variant has been classified as Pathogenic.

Laboratory of Molecular Genetics, CHU Rennes
Classification: Likely pathogenic for Moderate intellectual deficiency. Review status: no assertion criteria provided. Collection method: clinical testing. Allele origin: de novo. Affected: yes. Not counted in ClinVar's aggregate classification.

Literature cited by the submitters: PubMed 21782149 (cited by Labcorp Genetics (formerly Invitae), Labcorp); PubMed 25125236 (cited by Labcorp Genetics (formerly Invitae), Labcorp); PubMed 25413698 (cited by Labcorp Genetics (formerly Invitae), Labcorp); PubMed 25652421 (cited by Labcorp Genetics (formerly Invitae), Labcorp).